The following is an entry in ClinVar:

ClinVar aggregate classification (germline): Likely benign (0 of 4 stars; one submission).

Conditions:
PMFBP1-related disorder. Also called: PMFBP1-related condition.

Allele frequency attached by ClinVar (database versions not stated): ExAC 0.00002; TOPMed 0.00008; gnomAD 0.00009.
gnomAD v4.1: 30 of 1,613,960 alleles (0.0019%); highest among the groups gnomAD compares: African/African-American, 0.039%; no homozygotes.

Submission:

PreventionGenetics, part of Exact Sciences
Classification: Likely benign for PMFBP1-related condition. Last evaluated: 2019-04-11. Review status: no assertion criteria provided. Collection method: clinical testing. Allele origin: germline.
Comment: This variant is classified as likely benign based on ACMG/AMP sequence variant interpretation guidelines (Richards et al. 2015 PMID: 25741868, with internal and published modifications).

NM_031293.3(PMFBP1):c.1215G>A (p.Glu405=)

Gene: PMFBP1 (polyamine modulated factor 1 binding protein 1; minus strand). Cytogenetic location: 16q22.2.
Variant type: single nucleotide variant.
Coding change: c.1215G>A on transcript NM_031293.3 (MANE Select); coding-DNA position 1215, G replaced by A.
Protein change: p.Glu405=; no amino-acid change (glutamic acid 405 retained).
Molecular consequence: synonymous variant.
Genome position (GRCh38, 1-based): chr16:72,132,980, C>T on the plus strand (G>A on the coding strand, the complement: PMFBP1 is on the minus strand). VCF-style: chr16-72132980-C-T. GRCh37 (hg19) VCF-style: chr16-72166879-C-T.
Other names: c.780G>A, p.Glu260= (NM_001160213.2).
Identifiers: ClinVar variation 3057634 (VCV003057634.2), dbSNP rs776508395, ClinGen allele CA8161736.